The following is an entry in ClinVar:

ClinVar aggregate classification (germline): Uncertain significance (1 of 4 stars; one submission).

Allele frequency attached by ClinVar (database versions not stated): ExAC 0.00004; TOPMed 0.00004; gnomAD 0.00007; ESP Exome Variant Server 0.00008; 1000 Genomes Project 0.00020; 1000 Genomes Project 30x 0.00031.

Submission:

Labcorp Genetics (formerly Invitae), Labcorp
Classification: Uncertain significance. Last evaluated: 2022-10-17. Review status: criteria provided, single submitter. Criteria: Invitae Variant Classification Sherloc (09022015). Collection method: clinical testing. Allele origin: germline.
Comment: This sequence change replaces arginine, which is basic and polar, with glutamine, which is neutral and polar, at codon 204 of the COQ8A protein (p.Arg204Gln). This variant is present in population databases (rs200541514, gnomAD 0.02%). This variant has not been reported in the literature in individuals affected with COQ8A-related conditions. Advanced modeling of protein sequence and biophysical properties (such as structural, functional, and spatial information, amino acid conservation, physicochemical variation, residue mobility, and thermodynamic stability) has been performed at Invitae for this missense variant, however the output from this modeling did not meet the statistical confidence thresholds required to predict the impact of this variant on COQ8A protein function. In summary, the available evidence is currently insufficient to determine the role of this variant in disease. Therefore, it has been classified as a Variant of Uncertain Significance.

NM_020247.5(COQ8A):c.611G>A (p.Arg204Gln)

Gene: COQ8A (coenzyme Q8A; plus strand). Cytogenetic location: 1q42.13.
Variant type: single nucleotide variant.
Coding change: c.611G>A on transcript NM_020247.5 (MANE Select); coding-DNA position 611, G replaced by A.
Protein change: p.Arg204Gln; replaces arginine 204 with glutamine.
Molecular consequence: missense variant.
Genome position (GRCh38, 1-based): chr1:226,965,693, G>A. VCF-style: chr1-226965693-G-A. GRCh37 (hg19) VCF-style: chr1-227153394-G-A.
Other names: short protein forms R204Q.
Identifiers: ClinVar variation 1896904 (VCV001896904.2), dbSNP rs200541514, ClinGen allele CA1425076.
Genomic context (GRCh38, chr1:226,965,693, plus strand): 5'-TGGCTGATTCCACAGGTCTCTTTCTCGTCTCCCTCCAGCTCAGCGAGCATGCCCGGGAGC[G>A]GAAGGTGCCTGTGACGAGGATTGGCCGGCTGGCCAACTTCGGAGGTAAGGTGGCTGTGTG-3'
Protein context (NP_064632.2, residues 194-214): KQTLSEHARE[Arg204Gln]KVPVTRIGRL